The following is an entry in ClinVar:

NM_015295.3(SMCHD1):c.3881C>A (p.Pro1294Gln)

Gene: SMCHD1 (structural maintenance of chromosomes flexible hinge domain containing 1; plus strand). Cytogenetic location: 18p11.32.
Variant type: single nucleotide variant.
Coding change: c.3881C>A on transcript NM_015295.3 (MANE Select); coding-DNA position 3881, C replaced by A.
Protein change: p.Pro1294Gln; replaces proline 1294 with glutamine.
Molecular consequence: missense variant.
Genome position (GRCh38, 1-based): chr18:2,747,601, C>A. VCF-style: chr18-2747601-C-A. GRCh37 (hg19) VCF-style: chr18-2747599-C-A.
Other names: short protein forms P1294Q.
Identifiers: ClinVar variation 2830028 (VCV002830028.3), dbSNP rs759140838, ClinGen allele CA401690882.

ClinVar aggregate classification (germline): Uncertain significance (1 of 4 stars; one submission).

Conditions:
Facioscapulohumeral muscular dystrophy 2 (FSHD2). Also called: MUSCULAR DYSTROPHY, FACIOSCAPULOHUMERAL, TYPE 1B; FACIOSCAPULOHUMERAL MUSCULAR DYSTROPHY 2, DIGENIC; FSHD2, DIGENIC. Identifiers: Orphanet 269, MedGen C1834671, MONDO:0008031, OMIM 158901.

Submission:

Labcorp Genetics (formerly Invitae), Labcorp
Classification: Uncertain significance for Facioscapulohumeral muscular dystrophy 2. Last evaluated: 2023-07-26. Review status: criteria provided, single submitter. Criteria: Invitae Variant Classification Sherloc (09022015). Collection method: clinical testing. Allele origin: germline.
Comment: In summary, the available evidence is currently insufficient to determine the role of this variant in disease. Therefore, it has been classified as a Variant of Uncertain Significance. Advanced modeling of protein sequence and biophysical properties (such as structural, functional, and spatial information, amino acid conservation, physicochemical variation, residue mobility, and thermodynamic stability) performed at Invitae indicates that this missense variant is not expected to disrupt SMCHD1 protein function. This variant has not been reported in the literature in individuals affected with SMCHD1-related conditions. This variant is not present in population databases (gnomAD no frequency). This sequence change replaces proline, which is neutral and non-polar, with glutamine, which is neutral and polar, at codon 1294 of the SMCHD1 protein (p.Pro1294Gln).